The following is an entry in ClinVar:

NM_001128840.3(CACNA1D):c.2TGA[8] (p.Met7dup)

Gene: CACNA1D (calcium voltage-gated channel subunit alpha1 D; plus strand). Cytogenetic location: 3p21.1.
Variant type: Microsatellite.
Coding change: c.2TGA[8] on transcript NM_001128840.3 (MANE Select); eight copies in a row of the 3-base unit TGA starting at c.2; the reference has seven copies in a row; one copy, 3 bases duplicated.
Protein change: p.Met7dup; duplicates methionine 7.
Molecular consequence: inframe insertion, initiator codon variant.
Genome position (GRCh38, 1-based): chr3:53,495,186-53,495,188, TGA duplicated; duplicating any 3 consecutive bases within chr3:53,495,166-53,495,188 gives the same sequence; the position shown is the placement nearest the transcript's 3' end. VCF-style (leftmost placement, unchanged base first): chr3-53495165-G-GGAT. GRCh37 (hg19) VCF-style: chr3-53529192-G-GGAT.
Other names: p.Met7dup; c.2TGA[8], p.Met7dup (NM_000720.4, NM_001128839.3); c.20_22dupTGA (NM_000720.2, NM_000720.3); c.20_22dup (NM_000720.4).
Identifiers: ClinVar variation 1333054 (VCV001333054.9), dbSNP rs751190058, ClinGen allele CA2453582.
Genomic context (GRCh38, chr3:53,495,165, plus strand): 5'-CCCCCGCCTCAACGCCCAGCACAGTGCCCTGCACACAGTAGTCGCTCAATAAATGTTCGT[G>GGAT]GATGATGATGATGATGATGATGAAAAAAATGCAGCATCAACGGCAGCAGCAAGCGGACCA-3'

ClinVar aggregate classification (germline): Uncertain significance. Review status: criteria provided, multiple submitters, no conflicts (2 of 4 stars). 4 submissions from 4 submitters: Uncertain significance (4). Last evaluated 2025-07-03.

Conditions:
Inborn genetic diseases. Identifiers: MedGen C0950123, MeSH D030342.
CACNA1D-related disorder.

Submissions (4):

PreventionGenetics, part of Exact Sciences
Classification: Uncertain significance for CACNA1D-related condition. Last evaluated: 2025-07-03. Review status: criteria provided, single submitter. Criteria: ACMG Guidelines, 2015. Collection method: clinical testing. Allele origin: germline.
Comment: The CACNA1D c.20_22dupTGA variant is predicted to result in an in-frame duplication (p.Met7dup). To our knowledge, this variant has not been reported in the literature. This variant is reported in 0.041% of alleles in individuals of African descent in gnomAD. At this time, the clinical significance of this variant is uncertain due to the absence of conclusive functional and genetic evidence.

GeneDx
Classification: Uncertain significance. Last evaluated: 2025-05-20. Review status: criteria provided, single submitter. Criteria: GeneDx Variant Classification Process June 2021. Collection method: clinical testing. Allele origin: germline. Affected: yes.
Comment: In-frame duplication of 1 amino acid(s) in a repetitive region with no known function; Has not been previously published as pathogenic or benign to our knowledge

Mayo Clinic Laboratories, Mayo Clinic
Classification: Uncertain significance. Last evaluated: 2023-10-16. Review status: criteria provided, single submitter. Criteria: ACMG Guidelines, 2015. Collection method: clinical testing. Allele origin: germline. Observed: 1 variant allele.
Comment: BP3

Ambry Genetics
Classification: Uncertain significance for Inborn genetic diseases. Last evaluated: 2022-05-05. Review status: criteria provided, single submitter. Criteria: Ambry Variant Classification Scheme 2023. Collection method: clinical testing. Allele origin: germline.
Comment: Unlikely to be causative of primary aldosteronism, seizures, and neurologic abnormalities (AD) Based on insufficient or conflicting evidence, the clinical significance of this alteration remains unclear.

Literature cited by the submitters: PubMed 11424233 (cited by Mayo Clinic Laboratories, Mayo Clinic); PubMed 7557998 (cited by Mayo Clinic Laboratories, Mayo Clinic).